The following is an entry in ClinVar:

ClinVar aggregate classification (germline): Uncertain significance (1 of 4 stars; one submission).

Conditions:
Hereditary sensory and autonomic neuropathy type 6. Also called: HSAN VI; Neuropathy, hereditary sensory and autonomic, type VI. Identifiers: Orphanet 314381, MedGen C3539003, MONDO:0013839, OMIM 614653.
Epidermolysis bullosa simplex 3, localized or generalized intermediate, with BP230 deficiency (EBS3). Also called: Epidermolysis bullosa simplex due to BP230 deficiency; Epidermolysis bullosa simplex, autosomal recessive 2. Identifiers: Orphanet 412181, MedGen C3809470, MONDO:0014180, OMIM 615425.

gnomAD v4.1: 10 of 1,614,168 alleles (0.00062%); highest among the groups gnomAD compares: Non-Finnish European, 0.00085%; no homozygotes.

Submission:

Labcorp Genetics (formerly Invitae), Labcorp
Classification: Uncertain significance for Epidermolysis bullosa simplex 3, localized or generalized intermediate, with BP230 deficiency; Hereditary sensory and autonomic neuropathy type 6. Last evaluated: 2020-06-30. Review status: criteria provided, single submitter. Criteria: Invitae Variant Classification Sherloc (09022015). Collection method: clinical testing. Allele origin: germline.
Comment: This variant has not been reported in the literature in individuals with DST-related conditions. In summary, the available evidence is currently insufficient to determine the role of this variant in disease. Therefore, it has been classified as a Variant of Uncertain Significance. Algorithms developed to predict the effect of missense changes on protein structure and function are either unavailable or do not agree on the potential impact of this missense change (SIFT: "Deleterious"; PolyPhen-2: "Possibly Damaging"; Align-GVGD: "Class C0"). This variant is not present in population databases (ExAC no frequency). This sequence change replaces threonine with asparagine at codon 602 of the DST protein (p.Thr602Asn). The threonine residue is highly conserved and there is a small physicochemical difference between threonine and asparagine.

NM_001374736.1(DST):c.3416C>A (p.Thr1139Asn)

Gene: DST (dystonin; minus strand). Cytogenetic location: 6p12.1.
Variant type: single nucleotide variant.
Coding change: c.3416C>A on transcript NM_001374736.1 (MANE Select); coding-DNA position 3416, C replaced by A.
Protein change: p.Thr1139Asn; replaces threonine 1139 with asparagine.
Molecular consequence: missense variant.
Genome position (GRCh38, 1-based): chr6:56,634,540, G>T on the plus strand (C>A on the coding strand, the complement: DST is on the minus strand). VCF-style: chr6-56634540-G-T. GRCh37 (hg19) VCF-style: chr6-56499338-G-T.
Other names: c.3317C>A, p.Thr1106Asn (NM_001144769.5); c.2903C>A, p.Thr968Asn (NM_001144770.2); c.3416C>A, p.Thr1139Asn (NM_001374722.1); c.2783C>A, p.Thr928Asn (NM_001374729.1, NM_001374730.1, NM_001386100.1 and 1 more transcripts); c.3443C>A, p.Thr1148Asn (NM_001374734.1); c.1805C>A, p.Thr602Asn (NM_001723.7, NM_015548.5); short protein forms T1106N, T1139N, T1148N, T602N, T928N, T968N.
Identifiers: ClinVar variation 1060192 (VCV001060192.7), dbSNP rs2152765510, ClinGen allele CA364575990.